The following is an entry in ClinVar:

ClinVar aggregate classification (germline): Benign. Review status: criteria provided, multiple submitters, no conflicts (2 of 4 stars). 3 submissions from 3 submitters: Benign (3). Last evaluated 2024-07-15.

Allele frequency attached by ClinVar (database versions not stated): TOPMed 0.64093; 1000 Genomes Project 30x 0.65381; gnomAD 0.65737 and 0.66675; 1000 Genomes Project 0.66214.
gnomAD v4.1: 804,546 of 1,064,930 alleles (76%); highest among the groups gnomAD compares: East Asian, 83%; 308,549 homozygotes.

Submissions (3):

Unidad de Genómica Garrahan, Hospital de Pediatría Garrahan
Classification: Benign. Last evaluated: 2024-07-15. Review status: criteria provided, single submitter. Criteria: ACMG Guidelines, 2015. Collection method: clinical testing. Allele origin: germline. Affected: no. Observed: 86 variant alleles.
Comment: This variant is classified as Benign based on local population frequency. This variant was detected in 92% of patients studied in a panel designed for Epileptic and Developmental Encephalopathy and Progressive Myoclonus Epilepsy. Number of patients: 86. Only high quality variants are reported.

GeneDx
Classification: Benign. Last evaluated: 2020-11-20. Review status: criteria provided, single submitter. Criteria: GeneDx Variant Classification Process June 2021. Collection method: clinical testing. Allele origin: germline. Affected: yes.

Breakthrough Genomics
Classification: Benign. Review status: criteria provided, single submitter. Criteria: ACMG Guidelines, 2015. Collection method: not provided. Allele origin: germline. Inheritance: Autosomal recessive inheritance. Affected: yes.

NM_015192.4(PLCB1):c.1581+77C>G

Gene: PLCB1 (phospholipase C beta 1; plus strand). Cytogenetic location: 20p12.3.
Variant type: single nucleotide variant.
Coding change: c.1581+77C>G on transcript NM_015192.4 (MANE Select); 77 bases into the intron after coding-DNA position 1581, C replaced by G.
Molecular consequence: intron variant.
Genome position (GRCh38, 1-based): chr20:8,722,498, C>G. VCF-style: chr20-8722498-C-G. GRCh37 (hg19) VCF-style: chr20-8703145-C-G.
Other names: c.1581+77C>G (NM_182734.3).
Identifiers: ClinVar variation 1252650 (VCV001252650.5), dbSNP rs6086563, ClinGen allele CA14804744.
Genomic context (GRCh38, chr20:8,722,498, plus strand): 5'-TCTGGTCCCTAAGGCATTCCACCACCCTGTACTCTCCTGGGTCTGTCTCATGGTCACTTT[C>G]TGCCATCTAGTGGCAAAAAGTAGATTTGTGCCTTCCAATTGCCAGCTTCAATTTTTGAGG-3'